The following is an entry in ClinVar:

NM_016169.4(SUFU):c.1238T>G (p.Val413Gly)

Gene: SUFU (SUFU negative regulator of hedgehog signaling; plus strand). Cytogenetic location: 10q24.32.
Variant type: single nucleotide variant.
Coding change: c.1238T>G on transcript NM_016169.4 (MANE Select); coding-DNA position 1238, T replaced by G.
Protein change: p.Val413Gly; replaces valine 413 with glycine.
Molecular consequence: missense variant.
Genome position (GRCh38, 1-based): chr10:102,617,370, T>G. VCF-style: chr10-102617370-T-G. GRCh37 (hg19) VCF-style: chr10-104377127-T-G.
Other names: c.1238T>G, p.Val413Gly (NM_001178133.2); short protein forms V413G.
Identifiers: ClinVar variation 3323546 (VCV003323546.1).

ClinVar aggregate classification (germline): Uncertain significance (1 of 4 stars; one submission).

Conditions:
Hereditary cancer-predisposing syndrome. Also called: Neoplastic Syndromes, Hereditary; Tumor predisposition; Hereditary neoplastic syndrome; Hereditary Cancer Syndrome. Identifiers: Orphanet 140162, MedGen C0027672, MeSH D009386, MONDO:0015356.

Submission:

Ambry Genetics
Classification: Uncertain significance for Hereditary cancer-predisposing syndrome. Last evaluated: 2024-04-29. Review status: criteria provided, single submitter. Criteria: Ambry Variant Classification Scheme 2023. Collection method: clinical testing. Allele origin: germline.
Comment: The p.V413G variant (also known as c.1238T>G), located in coding exon 10 of the SUFU gene, results from a T to G substitution at nucleotide position 1238. The valine at codon 413 is replaced by glycine, an amino acid with dissimilar properties. This amino acid position is conserved. In addition, this alteration is predicted to be deleterious by in silico analysis. Based on the available evidence, the clinical significance of this variant remains unclear.